The following is an entry in ClinVar:

NM_001080517.3(SETD5):c.3184C>T (p.Gln1062Ter)

Gene: SETD5 (SET domain containing 5; plus strand). Cytogenetic location: 3p25.3.
Variant type: single nucleotide variant.
Coding change: c.3184C>T on transcript NM_001080517.3 (MANE Select); coding-DNA position 3184, C replaced by T.
Protein change: p.Gln1062Ter; replaces glutamine 1062 with a stop codon.
Molecular consequence: nonsense.
Genome position (GRCh38, 1-based): chr3:9,470,918, C>T. VCF-style: chr3-9470918-C-T. GRCh37 (hg19) VCF-style: chr3-9512602-C-T.
Other names: c.2890C>T, p.Gln964Ter (NM_001292043.2, NM_001349451.2); c.3280C>T, p.Gln1094Ter (NM_001437633.1); c.3298C>T, p.Gln1100Ter (NM_001437635.1); c.3241C>T, p.Gln1081Ter (NM_001437643.1); c.3223C>T, p.Gln1075Ter (NM_001437701.1); short protein forms Q1062*, Q1075*, Q1081*, Q1094*, Q1100*, Q964*.
Identifiers: ClinVar variation 4531911 (VCV004531911.1).

ClinVar aggregate classification (germline): Pathogenic (1 of 4 stars; one submission).

Conditions:
Intellectual disability-facial dysmorphism syndrome due to SETD5 haploinsufficiency (MRD23). Also called: Intellectual developmental disorder, autosomal dominant 23. Identifiers: Orphanet 404440, MedGen C3810406, MONDO:0014336, OMIM 615761.

Submission:

Victorian Clinical Genetics Services, Murdoch Childrens Research Institute
Classification: Pathogenic for Intellectual disability-facial dysmorphism syndrome due to SETD5 haploinsufficiency. Last evaluated: 2025-11-12. Review status: criteria provided, single submitter. Criteria: ACMG Guidelines, 2015. Collection method: clinical testing. Allele origin: germline. Affected: yes.
Comment: This variant is classified as Pathogenic. Evidence in support of pathogenic classification: Variant is predicted to cause nonsense-mediated decay (NMD) and loss of protein (premature termination codon is located at least 54 nucleotides upstream of the final exon-exon junction); Variant is absent from gnomAD (v2, v3 and v4); Other NMD-predicted variant(s) comparable to the one identified in this case have very strong previous evidence for pathogenicity (DECIPHER). Additional information: This variant is heterozygous; This gene is associated with autosomal dominant disease; This variant has no previous evidence of pathogenicity; No published evidence of segregation with disease has been identified for this variant; No published functional evidence has been identified for this variant; Loss of function is a known mechanism of disease in this gene and is associated with intellectual developmental disorder, autosomal dominant 23 (MIM#615761); Variants in this gene are known to have variable expressivity. Some mildly affected parents with the same SETD5 variant as their more severely affected children have been reported (PMID: 28881385, 27375234).

Literature cited by the submitters: PubMed 28881385; PubMed 27375234.